The following is an entry in ClinVar:

NM_021098.3(CACNA1H):c.1955A>T (p.Asn652Ile)

Gene: CACNA1H (calcium voltage-gated channel subunit alpha1 H; plus strand). Cytogenetic location: 16p13.3.
Variant type: single nucleotide variant.
Coding change: c.1955A>T on transcript NM_021098.3 (MANE Select); coding-DNA position 1955, A replaced by T.
Protein change: p.Asn652Ile; replaces asparagine 652 with isoleucine.
Molecular consequence: missense variant.
Genome position (GRCh38, 1-based): chr16:1,202,405, A>T. VCF-style: chr16-1202405-A-T. GRCh37 (hg19) VCF-style: chr16-1252405-A-T.
Other names: c.1955A>T, p.Asn652Ile (NM_001005407.2); short protein forms N652I.
Identifiers: ClinVar variation 1416559 (VCV001416559.6), dbSNP rs1030011973, ClinGen allele CA276652150.

ClinVar aggregate classification (germline): Uncertain significance (1 of 4 stars; one submission).

Conditions:
Hyperaldosteronism, familial, type IV (HALD4). Also called: FH IV; ALDOSTERONISM, PRIMARY, AND HYPERTENSION. Identifiers: Orphanet 642671, MedGen C4310756, MONDO:0014875, OMIM 617027.
Idiopathic generalized epilepsy. Also called: Generalised epilepsy; EIG. Identifiers: MedGen C0270850, MONDO:0005579, OMIM 600669.

Allele frequency attached by ClinVar (database versions not stated): TOPMed 0.00002; gnomAD 0.00001.

Submission:

Labcorp Genetics (formerly Invitae), Labcorp
Classification: Uncertain significance for Idiopathic generalized epilepsy; Hyperaldosteronism, familial, type IV. Last evaluated: 2025-06-12. Review status: criteria provided, single submitter. Criteria: Invitae Variant Classification Sherloc (09022015). Collection method: clinical testing. Allele origin: germline.
Comment: This sequence change replaces asparagine, which is neutral and polar, with isoleucine, which is neutral and non-polar, at codon 652 of the CACNA1H protein (p.Asn652Ile). This variant is not present in population databases (gnomAD no frequency). This variant has not been reported in the literature in individuals affected with CACNA1H-related conditions. ClinVar contains an entry for this variant (Variation ID: 1416559). Invitae Evidence Modeling of protein sequence and biophysical properties (such as structural, functional, and spatial information, amino acid conservation, physicochemical variation, residue mobility, and thermodynamic stability) indicates that this missense variant is not expected to disrupt CACNA1H protein function with a negative predictive value of 80%. In summary, the available evidence is currently insufficient to determine the role of this variant in disease. Therefore, it has been classified as a Variant of Uncertain Significance.